The following is an entry in ClinVar:

ClinVar aggregate classification (germline): Uncertain significance. Review status: criteria provided, multiple submitters, no conflicts (2 of 4 stars). 2 submissions from 2 submitters: Uncertain significance (2). Last evaluated 2025-06-12.

Conditions:
Inborn genetic diseases. Identifiers: MedGen C0950123, MeSH D030342.

Allele frequency attached by ClinVar (database versions not stated): gnomAD 0.00001; TOPMed 0.00002; gnomAD exomes 0.00007; ExAC 0.00016.
gnomAD v4.1: 44 of 1,609,386 alleles (0.0027%); highest among the groups gnomAD compares: Admixed American, 0.063%; no homozygotes.

Submissions (2):

Labcorp Genetics (formerly Invitae), Labcorp
Classification: Uncertain significance. Last evaluated: 2025-06-12. Review status: criteria provided, single submitter. Criteria: Invitae Variant Classification Sherloc (09022015). Collection method: clinical testing. Allele origin: germline.
Comment: This sequence change replaces arginine, which is basic and polar, with tryptophan, which is neutral and slightly polar, at codon 36 of the HTRA2 protein (p.Arg36Trp). This variant is present in population databases (rs765943892, gnomAD 0.1%). This variant has not been reported in the literature in individuals affected with HTRA2-related conditions. ClinVar contains an entry for this variant (Variation ID: 2203108). An algorithm developed to predict the effect of missense changes on protein structure and function (PolyPhen-2) suggests that this variant is likely to be disruptive. In summary, the available evidence is currently insufficient to determine the role of this variant in disease. Therefore, it has been classified as a Variant of Uncertain Significance.

Ambry Genetics
Classification: Uncertain significance for Inborn genetic diseases. Last evaluated: 2022-01-13. Review status: criteria provided, single submitter. Criteria: Ambry Variant Classification Scheme 2023. Collection method: clinical testing. Allele origin: germline.

NM_013247.5(HTRA2):c.106C>T (p.Arg36Trp)

Gene: HTRA2 (HtrA serine peptidase 2; plus strand). Cytogenetic location: 2p13.1.
Variant type: single nucleotide variant.
Coding change: c.106C>T on transcript NM_013247.5 (MANE Select); coding-DNA position 106, C replaced by T.
Protein change: p.Arg36Trp; replaces arginine 36 with tryptophan.
Molecular consequence: missense variant. On other transcripts: non-coding transcript variant (1).
Genome position (GRCh38, 1-based): chr2:74,530,112, C>T. VCF-style: chr2-74530112-C-T. GRCh37 (hg19) VCF-style: chr2-74757239-C-T.
Other names: c.106C>T, p.Arg36Trp (NM_001321727.1, NM_001321728.1, NM_145074.2); short protein forms R36W.
Identifiers: ClinVar variation 2203108 (VCV002203108.3), dbSNP rs765943892, ClinGen allele CA1728286.